The following is an entry in ClinVar:

NM_001166108.2(PALLD):c.403C>T (p.Arg135Trp)

Gene: PALLD (palladin, cytoskeletal associated protein; plus strand). Cytogenetic location: 4q32.3.
Variant type: single nucleotide variant.
Coding change: c.403C>T on transcript NM_001166108.2 (MANE Select); coding-DNA position 403, C replaced by T.
Protein change: p.Arg135Trp; replaces arginine 135 with tryptophan.
Molecular consequence: missense variant.
Genome position (GRCh38, 1-based): chr4:168,511,907, C>T. VCF-style: chr4-168511907-C-T. GRCh37 (hg19) VCF-style: chr4-169433058-C-T.
Other names: c.403C>T, p.Arg135Trp (NM_016081.4); short protein forms R135W.
Identifiers: ClinVar variation 1737269 (VCV001737269.3), dbSNP rs777169473, ClinGen allele CA3135359.

ClinVar aggregate classification (germline): Uncertain significance (1 of 4 stars; one submission).

Allele frequency attached by ClinVar (database versions not stated): ExAC 0.00001; gnomAD 0.00001; TOPMed 0.00002.
gnomAD v4.1: 7 of 1,614,034 alleles (0.00043%); highest among the groups gnomAD compares: Non-Finnish European, 0.00059%; no homozygotes.

Submission:

Ambry Genetics
Classification: Uncertain significance. Last evaluated: 2024-11-15. Review status: criteria provided, single submitter. Criteria: Ambry Variant Classification Scheme 2023. Collection method: clinical testing. Allele origin: germline.
Comment: The p.R135W variant (also known as c.403C>T), located in coding exon 1 of the PALLD gene, results from a C to T substitution at nucleotide position 403. The arginine at codon 135 is replaced by tryptophan, an amino acid with dissimilar properties. This amino acid position is conserved. In addition, this alteration is predicted to be deleterious by in silico analysis. Since supporting evidence is limited at this time, the clinical significance of this alteration remains unclear.